The following is an entry in ClinVar:

ClinVar aggregate classification (germline): Benign. Review status: criteria provided, multiple submitters, no conflicts (2 of 4 stars). 6 submissions from 6 submitters: Benign (5). 1 of the submissions does not count toward it. Last evaluated 2025-11-17.

Conditions:
Inborn genetic diseases. Identifiers: MedGen C0950123, MeSH D030342.
Schuurs-Hoeijmakers syndrome. Also called: PACS1-Related Neurodevelopmental Disorder. Identifiers: Orphanet 329224, MedGen C3554343, MONDO:0014006, OMIM 615009.

Allele frequency attached by ClinVar (database versions not stated): gnomAD exomes 0.00166 and 0.00125; ExAC 0.00555; 1000 Genomes Project 0.01238; gnomAD 0.01395 and 0.01498; 1000 Genomes Project 30x 0.01499; TOPMed 0.01589.
gnomAD v4.1: 3,803 of 1,443,956 alleles (0.26%); highest among the groups gnomAD compares: African/African-American, 4.9%; 68 homozygotes.

Submissions (6):

Labcorp Genetics (formerly Invitae), Labcorp
Classification: Benign for Schuurs-Hoeijmakers syndrome. Last evaluated: 2025-11-17. Review status: criteria provided, single submitter. Criteria: Invitae Variant Classification Sherloc (09022015). Collection method: clinical testing. Allele origin: germline.

Mayo Clinic Laboratories, Mayo Clinic
Classification: Benign. Last evaluated: 2023-04-28. Review status: criteria provided, single submitter. Criteria: ACMG Guidelines, 2015. Collection method: clinical testing. Allele origin: germline. Observed: 4 variant alleles.
Comment: BS1, BS2, BP4, BP7

GeneDx
Classification: Benign. Last evaluated: 2019-07-24. Review status: criteria provided, single submitter. Criteria: GeneDx Variant Classification Process June 2021. Collection method: clinical testing. Allele origin: germline. Affected: yes.

Ambry Genetics
Classification: Benign for Inborn genetic diseases. Last evaluated: 2016-06-14. Review status: criteria provided, single submitter. Criteria: Ambry Variant Classification Scheme 2023. Collection method: clinical testing. Allele origin: germline.

Breakthrough Genomics
Classification: Benign. Review status: criteria provided, single submitter. Criteria: ACMG Guidelines, 2015. Collection method: not provided. Allele origin: germline. Inheritance: Autosomal dominant inheritance. Affected: yes.

Genetic Services Laboratory, University of Chicago
Classification: Likely benign for AllHighlyPenetrant. Review status: no assertion criteria provided. Collection method: clinical testing. Allele origin: germline. Inheritance: Autosomal dominant inheritance. Not counted in ClinVar's aggregate classification.
Comment: Likely benign based on allele frequency in 1000 Genomes Project or ESP global frequency and its presence in a patient with a rare or unrelated disease phenotype. NOT Sanger confirmed.

NM_018026.4(PACS1):c.102G>A (p.Pro34=)

Gene: PACS1 (phosphofurin acidic cluster sorting protein 1; plus strand). Cytogenetic location: 11q13.1.
Variant type: single nucleotide variant.
Coding change: c.102G>A on transcript NM_018026.4 (MANE Select); coding-DNA position 102, G replaced by A.
Protein change: p.Pro34=; no amino-acid change (proline 34 retained).
Molecular consequence: synonymous variant.
Genome position (GRCh38, 1-based): chr11:66,070,588, G>A. VCF-style: chr11-66070588-G-A. GRCh37 (hg19) VCF-style: chr11-65838059-G-A.
Other names: p.Pro34=.
Identifiers: ClinVar variation 129868 (VCV000129868.23), dbSNP rs75352646, ClinGen allele CA154210.